The following is an entry in ClinVar:

ClinVar aggregate classification (germline): Uncertain significance (1 of 4 stars; one submission).

gnomAD v4.1: 20 of 1,602,802 alleles (0.0012%); highest among the groups gnomAD compares: South Asian, 0.02%; no homozygotes.

Submission:

Labcorp Genetics (formerly Invitae), Labcorp
Classification: Uncertain significance. Last evaluated: 2025-09-17. Review status: criteria provided, single submitter. Criteria: Invitae Variant Classification Sherloc (09022015). Collection method: clinical testing. Allele origin: germline.
Comment: This sequence change replaces proline, which is neutral and non-polar, with serine, which is neutral and polar, at codon 641 of the KIAA1549 protein (p.Pro641Ser). This variant is present in population databases (rs762310770, gnomAD 0.02%). This variant has not been reported in the literature in individuals affected with KIAA1549-related conditions. An algorithm developed to predict the effect of missense changes on protein structure and function outputs the following: PolyPhen-2: "Benign". The serine amino acid residue is found in multiple mammalian species, which suggests that this missense change does not adversely affect protein function. In summary, the available evidence is currently insufficient to determine the role of this variant in disease. Therefore, it has been classified as a Variant of Uncertain Significance.

NM_001164665.2(KIAA1549):c.1921C>T (p.Pro641Ser)

Gene: KIAA1549 (KIAA1549; minus strand). Cytogenetic location: 7q34.
Variant type: single nucleotide variant.
Coding change: c.1921C>T on transcript NM_001164665.2 (MANE Select); coding-DNA position 1921, C replaced by T.
Protein change: p.Pro641Ser; replaces proline 641 with serine.
Molecular consequence: missense variant.
Genome position (GRCh38, 1-based): chr7:138,917,705, G>A on the plus strand (C>T on the coding strand, the complement: KIAA1549 is on the minus strand). VCF-style: chr7-138917705-G-A. GRCh37 (hg19) VCF-style: chr7-138602451-G-A.
Other names: c.1921C>T, p.Pro641Ser (NM_020910.3); short protein forms P641S.
Identifiers: ClinVar variation 4773432 (VCV004773432.1).
Genomic context (GRCh38, chr7:138,917,705, plus strand): 5'-GAGATGTGAAGGGGGACAAGTCACTCGGCATCAGAGACAGAGACGCAGGTGCTTCCGAAG[G>A]CGAAGAGATGGAGCCGCTGAGTTCCAGCGGGGGTGTTGAGAAAAAGCTGGATGCAAAATC-3'
Protein context (NP_001158137.1, residues 631-651): PLELSGSISS[Pro641Ser]SEAPASLSLM